The following is an entry in ClinVar:

ClinVar aggregate classification (germline): Uncertain significance (1 of 4 stars; one submission).

gnomAD v4.1: 1 of 1,613,784 alleles (0.000062%); highest among the groups gnomAD compares: Admixed American, 0.0017%; no homozygotes.

Submission:

Labcorp Genetics (formerly Invitae), Labcorp
Classification: Uncertain significance. Last evaluated: 2024-12-13. Review status: criteria provided, single submitter. Criteria: Invitae Variant Classification Sherloc (09022015). Collection method: clinical testing. Allele origin: germline.
Comment: This sequence change replaces aspartic acid, which is acidic and polar, with valine, which is neutral and non-polar, at codon 279 of the CARD8 protein (p.Asp279Val). This variant is present in population databases (no rsID available, gnomAD 0.003%). This variant has not been reported in the literature in individuals affected with CARD8-related conditions. An algorithm developed to predict the effect of missense changes on protein structure and function (PolyPhen-2) suggests that this variant is likely to be tolerated. In summary, the available evidence is currently insufficient to determine the role of this variant in disease. Therefore, it has been classified as a Variant of Uncertain Significance.

NM_001184900.3(CARD8):c.986A>T (p.Asp329Val)

Gene: CARD8 (caspase recruitment domain family member 8; minus strand). Cytogenetic location: 19q13.33.
Variant type: single nucleotide variant.
Coding change: c.986A>T on transcript NM_001184900.3 (MANE Select); coding-DNA position 986, A replaced by T.
Protein change: p.Asp329Val; replaces aspartic acid 329 with valine.
Molecular consequence: missense variant. On other transcripts: non-coding transcript variant (4).
Genome position (GRCh38, 1-based): chr19:48,230,487, T>A on the plus strand (A>T on the coding strand, the complement: CARD8 is on the minus strand). VCF-style: chr19-48230487-T-A. GRCh37 (hg19) VCF-style: chr19-48733744-T-A.
Other names: c.836A>T, p.Asp279Val (NM_001184901.1, NM_001351783.2, NM_001351788.2 and 2 more transcripts); c.986A>T, p.Asp329Val (NM_001184902.2, NM_001184903.1, NM_001351782.2); c.671A>T, p.Asp224Val (NM_001351784.2, NM_001351787.2, NM_001351791.2 and 1 more transcripts); c.650A>T, p.Asp217Val (NM_001351786.2); c.743A>T, p.Asp248Val (NM_001351790.2); c.668A>T, p.Asp223Val (NM_001365950.1); short protein forms D223V, D224V, D248V, D329V, D217V, D279V.
Identifiers: ClinVar variation 3665160 (VCV003665160.2).